The following is an entry in ClinVar:

NM_004341.5(CAD):c.1886G>C (p.Gly629Ala)

Gene: CAD (carbamoyl-phosphate synthetase 2, aspartate transcarbamylase, and dihydroorotase; plus strand). Cytogenetic location: 2p23.3.
Variant type: single nucleotide variant.
Coding change: c.1886G>C on transcript NM_004341.5 (MANE Select); coding-DNA position 1886, G replaced by C.
Protein change: p.Gly629Ala; replaces glycine 629 with alanine.
Molecular consequence: missense variant. On other transcripts: intron variant (1).
Genome position (GRCh38, 1-based): chr2:27,226,174, G>C. VCF-style: chr2-27226174-G-C. GRCh37 (hg19) VCF-style: chr2-27449042-G-C.
Other names: c.1842+248G>C (NM_001306079.2); short protein forms G629A.
Identifiers: ClinVar variation 1466172 (VCV001466172.5), dbSNP rs1675437635, ClinGen allele CA346206590.

ClinVar aggregate classification (germline): Uncertain significance (1 of 4 stars; one submission).

Allele frequency attached by ClinVar (database versions not stated): gnomAD exomes below 0.00001; TOPMed below 0.00001.
gnomAD v4.1: 1 of 1,614,202 alleles (0.000062%); highest among the groups gnomAD compares: East Asian, 0.0022%; no homozygotes.

Submission:

Labcorp Genetics (formerly Invitae), Labcorp
Classification: Uncertain significance. Last evaluated: 2022-03-08. Review status: criteria provided, single submitter. Criteria: Invitae Variant Classification Sherloc (09022015). Collection method: clinical testing. Allele origin: germline.
Comment: This sequence change replaces glycine, which is neutral and non-polar, with alanine, which is neutral and non-polar, at codon 629 of the CAD protein (p.Gly629Ala). This variant is not present in population databases (gnomAD no frequency). This variant has not been reported in the literature in individuals affected with CAD-related conditions. Algorithms developed to predict the effect of missense changes on protein structure and function are either unavailable or do not agree on the potential impact of this missense change (SIFT: "Deleterious"; PolyPhen-2: "Possibly Damaging"; Align-GVGD: "Class C0"). Algorithms developed to predict the effect of sequence changes on RNA splicing suggest that this variant may disrupt the consensus splice site. In summary, the available evidence is currently insufficient to determine the role of this variant in disease. Therefore, it has been classified as a Variant of Uncertain Significance.